The following is an entry in ClinVar:

NM_144508.5(KNL1):c.4393G>T (p.Val1465Leu)

Gene: KNL1 (kinetochore scaffold 1; plus strand). Cytogenetic location: 15q15.1.
Variant type: single nucleotide variant.
Coding change: c.4393G>T on transcript NM_144508.5 (MANE Select); coding-DNA position 4393, G replaced by T.
Protein change: p.Val1465Leu; replaces valine 1465 with leucine.
Molecular consequence: missense variant.
Genome position (GRCh38, 1-based): chr15:40,624,657, G>T. VCF-style: chr15-40624657-G-T. GRCh37 (hg19) VCF-style: chr15-40916855-G-T.
Other names: c.4471G>T, p.Val1491Leu (NM_170589.5); c.4471G>T (NM_170589.3, NM_170589.4); short protein forms V1465L, V1491L.
Identifiers: ClinVar variation 315861 (VCV000315861.8), dbSNP rs201195268, ClinGen allele CA7483169.

ClinVar aggregate classification (germline): Conflicting classifications of pathogenicity. Review status: criteria provided, conflicting classifications (1 of 4 stars). 3 submissions from 3 submitters: Uncertain significance (2); Likely benign (1). Last evaluated 2026-07-14.

Conditions:
KNL1-related disorder. Also called: KNL1-related condition.
Inborn genetic diseases. Identifiers: MedGen C0950123, MeSH D030342.
Microcephaly 4, primary, autosomal recessive. Identifiers: Orphanet 2512, MedGen C1858516, MONDO:0011437, OMIM 604321.

Allele frequency attached by ClinVar (database versions not stated): gnomAD 0.00003; TOPMed 0.00005; ExAC 0.00007; ESP Exome Variant Server 0.00008; gnomAD exomes 0.00008.
gnomAD v4.1: 65 of 1,613,570 alleles (0.004%); highest among the groups gnomAD compares: Middle Eastern, 0.033%; no homozygotes.

Submissions (3):

PreventionGenetics, part of Exact Sciences
Classification: Likely benign for KNL1-related condition. Last evaluated: 2026-07-14. Review status: criteria provided, single submitter. Criteria: ACMG Guidelines, 2015. Collection method: clinical testing. Allele origin: germline.
Comment: This variant is classified as likely benign based on ACMG/AMP sequence variant interpretation guidelines (Richards et al. 2015 PMID: 25741868, with internal and published modifications).

Ambry Genetics
Classification: Uncertain significance for Inborn genetic diseases. Last evaluated: 2021-07-20. Review status: criteria provided, single submitter. Criteria: Ambry Variant Classification Scheme 2023. Collection method: clinical testing. Allele origin: germline.

Illumina Laboratory Services, Illumina
Classification: Uncertain significance for Microcephaly 4, primary, autosomal recessive. Last evaluated: 2018-01-13. Review status: criteria provided, single submitter. Criteria: ICSL Variant Classification Criteria 13 December 2019. Collection method: clinical testing. Allele origin: germline.